The following is an entry in ClinVar:

NM_016239.4(MYO15A):c.3295C>T (p.Pro1099Ser)

Gene: MYO15A (myosin XVA; plus strand). Cytogenetic location: 17p11.2.
Variant type: single nucleotide variant.
Coding change: c.3295C>T on transcript NM_016239.4 (MANE Select); coding-DNA position 3295, C replaced by T.
Protein change: p.Pro1099Ser; replaces proline 1099 with serine.
Molecular consequence: missense variant.
Genome position (GRCh38, 1-based): chr17:18,122,095, C>T. VCF-style: chr17-18122095-C-T. GRCh37 (hg19) VCF-style: chr17-18025409-C-T.
Other names: short protein forms P1099S.
Identifiers: ClinVar variation 667271 (VCV000667271.4), dbSNP rs765396397, ClinGen allele CA8423425.

ClinVar aggregate classification (germline): Uncertain significance (1 of 4 stars; one submission).

Allele frequency attached by ClinVar (database versions not stated): gnomAD exomes below 0.00001; ExAC 0.00001.
gnomAD v4.1: 2 of 1,612,860 alleles (0.00012%); highest among the groups gnomAD compares: South Asian, 0.0011%; no homozygotes.

Submission:

Laboratory for Molecular Medicine, Mass General Brigham Personalized Medicine
Classification: Uncertain significance. Last evaluated: 2018-02-28. Review status: criteria provided, single submitter. Criteria: LMM Criteria. Collection method: clinical testing. Allele origin: germline. Observed: 1 variant allele.
Comment: Variant classified as Uncertain Significance - Favor Benign. The p.Pro1099Ser va riant in MYO15A has not been previously reported in individuals with hearing los s or in large population studies. Proline (Pro) at position 1099 is not conserve d in mammals or evolutionarily distant species and 4 mammals carry a Serine (Ser ) at this position, raising the possibility that this change may be tolerated. A dditional computational prediction tools suggest that the p.Pro1099Ser variant m ay not impact the protein, though this information is not predictive enough to r ule out pathogenicity. In summary, while the clinical significance of the p.Pro1 099Ser variant is uncertain, these data suggest that it is more likely to be ben ign. ACMG/AMP Criteria applied: PM2, BP4